The following is an entry in ClinVar:

NM_024753.5(TTC21B):c.3459+9A>G

Gene: TTC21B (tetratricopeptide repeat domain 21B; minus strand). Cytogenetic location: 2q24.3.
Variant type: single nucleotide variant.
Coding change: c.3459+9A>G on transcript NM_024753.5 (MANE Select); 9 bases into the intron after coding-DNA position 3459, A replaced by G.
Molecular consequence: intron variant.
Genome position (GRCh38, 1-based): chr2:165,888,270, T>C on the plus strand (A>G on the coding strand, the complement: TTC21B is on the minus strand). VCF-style: chr2-165888270-T-C. GRCh37 (hg19) VCF-style: chr2-166744780-T-C.
Other names: c.3459+9A>G (NM_024753.4).
Identifiers: ClinVar variation 4957324 (VCV004957324.2).
Genomic context (GRCh38, chr2:165,888,270, plus strand): 5'-ATCAAAATATATGTTTCTATACTACCAAATAAAGATACCACATGAAGCTGAAAAAGGAAA[T>C]CCACTAACCTCAGATGCTGCTATTTCAGTGAAGGTATTTAATGCTTGTTCAACATTAGAT-3'

ClinVar aggregate classification (germline): Likely benign. Review status: criteria provided, multiple submitters, no conflicts (2 of 4 stars). 2 submissions from 2 submitters: Likely benign (2). Last evaluated 2025-08-08.

Conditions:
TTC21B-related disorder. Also called: TTC21B-related condition; TTC21B-related disorders.

gnomAD v4.1: 2 of 1,602,514 alleles (0.00012%); highest among the groups gnomAD compares: African/African-American, 0.0013%; no homozygotes.

Submissions (2):

PreventionGenetics, part of Exact Sciences
Classification: Likely benign for TTC21B-related condition. Last evaluated: 2025-08-08. Review status: criteria provided, single submitter. Criteria: ACMG Guidelines, 2015. Collection method: clinical testing. Allele origin: germline.
Comment: This variant is classified as likely benign based on ACMG/AMP sequence variant interpretation guidelines (Richards et al. 2015 PMID: 25741868, with internal and published modifications).

Blueprint Genetics
Classification: Likely benign. Last evaluated: 2024-01-23. Review status: criteria provided, single submitter. Criteria: ACMG Guidelines, 2015. Collection method: clinical testing. Allele origin: germline.